The following is an entry in ClinVar:

ClinVar aggregate classification (germline): Benign (1 of 4 stars; one submission).

Conditions:
Thyroid hormone resistance, generalized, autosomal dominant (GRTHD). Also called: HYPERTHYROXINEMIA, FAMILIAL EUTHYROID, SECONDARY TO PITUITARY AND PERIPHERAL RESISTANCE TO THYROID HORMONES. Identifiers: MedGen C2937288, MONDO:0008569, OMIM 188570.

Allele frequency attached by ClinVar (database versions not stated): 1000 Genomes Project 0.00060; 1000 Genomes Project 30x 0.00062; TOPMed 0.00062; gnomAD 0.00064 and 0.00068.
gnomAD v4.1: 95 of 152,392 alleles (0.062%); highest among the groups gnomAD compares: African/African-American, 0.22%; 1 homozygote.

Submission:

Illumina Laboratory Services, Illumina
Classification: Benign for Thyroid hormone resistance, generalized, autosomal dominant. Last evaluated: 2018-01-13. Review status: criteria provided, single submitter. Criteria: ICSL Variant Classification Criteria 13 December 2019. Collection method: clinical testing. Allele origin: germline.
Comment: This variant was observed in the ICSL laboratory as part of a predisposition screen in an ostensibly healthy population. It had not been previously curated by ICSL or reported in the Human Gene Mutation Database (HGMD: prior to June 1st, 2018), and was therefore a candidate for classification through an automated scoring system. Utilizing variant allele frequency, disease prevalence and penetrance estimates, and inheritance mode, an automated score was calculated to assess if this variant is too frequent to cause the disease. Based on the score and internal cut-off values, a variant classified as benign is not then subjected to further curation. The score for this variant resulted in a classification of benign for this disease.

NM_001354712.2(THRB):c.*2347C>G

Gene: THRB (thyroid hormone receptor beta; minus strand). Cytogenetic location: 3p24.2.
Variant type: single nucleotide variant.
Coding change: c.*2347C>G on transcript NM_001354712.2 (MANE Select); 2347 bases downstream of the stop codon, C replaced by G.
Molecular consequence: 3 prime UTR variant.
Genome position (GRCh38, 1-based): chr3:24,120,537, G>C on the plus strand (C>G on the coding strand, the complement: THRB is on the minus strand). VCF-style: chr3-24120537-G-C. GRCh37 (hg19) VCF-style: chr3-24162028-G-C.
Other names: c.*2347C>G (NM_000461.5, NM_001128176.3, NM_001128177.2 and 8 more transcripts).
Identifiers: ClinVar variation 344592 (VCV000344592.5), dbSNP rs558492958, ClinGen allele CA10618355.